The following is an entry in ClinVar:

NC_012920.1(MT-ND5):m.14128A>G

Gene: MT-ND5 (mitochondrially encoded NADH dehydrogenase 5; plus strand).
Variant type: single nucleotide variant.
Genome position: chrM-14128-A-G.
Identifiers: ClinVar variation 693670 (VCV000693670.1), dbSNP rs386829201, ClinGen allele CA337099920.

ClinVar aggregate classification (germline): Benign (1 of 4 stars; one submission).

Conditions:
Leigh syndrome (NULS). Also called: Leigh's necrotizing encephalopathy; Leigh's disease; Leigh's syndrome; LEIGH SYNDROME, NUCLEAR; Leigh Syndrome (mtDNA deletion); Leigh Disease. Identifiers: Orphanet 506, MedGen C2931891, MONDO:0009723, OMIM 256000.

Submission:

Wong Mito Lab, Molecular and Human Genetics, Baylor College of Medicine
Classification: Benign for Leigh syndrome. Last evaluated: 2019-10-17. Review status: criteria provided, single submitter. Criteria: Modified ACMG Guidelines (Unpublished). Collection method: clinical testing. Allele origin: germline.
Comment: The NC_012920.1:m.14128A>G (YP_003024036.1:p.Thr598Ala) variant in MTND5 gene is interpretated to be a Benign variant based on the modified ACMG guidelines (unpublished). This variant meets the following evidence codes: BS1, BS2